The following is an entry in ClinVar:

ClinVar aggregate classification (germline): Uncertain significance (1 of 4 stars; one submission).

gnomAD v4.1: 22 of 1,604,096 alleles (0.0014%); highest among the groups gnomAD compares: East Asian, 0.0045%; no homozygotes.

Submission:

GeneDx
Classification: Uncertain significance. Last evaluated: 2025-06-29. Review status: criteria provided, single submitter. Criteria: GeneDx Variant Classification Process June 2021. Collection method: clinical testing. Allele origin: germline. Affected: yes.
Comment: In silico analysis suggests that this missense variant does not alter protein structure/function; Has not been previously published as pathogenic or benign to our knowledge

NM_001852.4(COL9A2):c.1762G>A (p.Val588Met)

Gene: COL9A2 (collagen type IX alpha 2 chain; minus strand). Cytogenetic location: 1p34.2.
Variant type: single nucleotide variant.
Coding change: c.1762G>A on transcript NM_001852.4 (MANE Select); coding-DNA position 1762, G replaced by A.
Protein change: p.Val588Met; replaces valine 588 with methionine.
Molecular consequence: missense variant.
Genome position (GRCh38, 1-based): chr1:40,302,651, C>T on the plus strand (G>A on the coding strand, the complement: COL9A2 is on the minus strand). VCF-style: chr1-40302651-C-T. GRCh37 (hg19) VCF-style: chr1-40768323-C-T.
Other names: short protein forms V588M.
Identifiers: ClinVar variation 4540321 (VCV004540321.1).